The following is an entry in ClinVar:

NM_000428.3(LTBP2):c.-232G>A

Gene: LTBP2 (latent transforming growth factor beta binding protein 2; minus strand). Cytogenetic location: 14q24.3.
Variant type: single nucleotide variant.
Coding change: c.-232G>A on transcript NM_000428.3 (MANE Select); 232 bases upstream of the start codon, G replaced by A.
Molecular consequence: 5 prime UTR variant.
Genome position (GRCh38, 1-based): chr14:74,612,176, C>T on the plus strand (G>A on the coding strand, the complement: LTBP2 is on the minus strand). VCF-style: chr14-74612176-C-T. GRCh37 (hg19) VCF-style: chr14-75078879-C-T.
Identifiers: ClinVar variation 314327 (VCV000314327.8), dbSNP rs61980926, ClinGen allele CA10640944.

ClinVar aggregate classification (germline): Benign. Review status: criteria provided, multiple submitters, no conflicts (2 of 4 stars). 4 submissions from 3 submitters: Benign (4). Last evaluated 2018-08-25.

Conditions:
Weill-Marchesani syndrome. Also called: WM Syndrome; Mesodermal dysmorphodystrophy congenital. Identifiers: Orphanet 3449, MedGen C0265313, MONDO:0018096.
Glaucoma 3, primary congenital, D. Identifiers: Orphanet 98976, MedGen C2751316, MONDO:0013122, OMIM 613086.

Allele frequency attached by ClinVar (database versions not stated): gnomAD 0.06690 and 0.06710; TOPMed 0.07579; 1000 Genomes Project 30x 0.08385; 1000 Genomes Project 0.08387.
gnomAD v4.1: 24,926 of 501,176 alleles (5%); highest among the groups gnomAD compares: African/African-American, 12%; 1,006 homozygotes.

Submissions (4):

GeneDx
Classification: Benign. Last evaluated: 2018-08-25. Review status: criteria provided, single submitter. Criteria: GeneDx Variant Classification Process June 2021. Collection method: clinical testing. Allele origin: germline. Affected: yes.

Illumina Laboratory Services, Illumina
Classification: Benign for Weill-Marchesani syndrome. Last evaluated: 2018-01-13. Review status: criteria provided, single submitter. Criteria: ICSL Variant Classification Criteria 13 December 2019. Collection method: clinical testing. Allele origin: germline.
Comment: This variant was observed in the ICSL laboratory as part of a predisposition screen in an ostensibly healthy population. It had not been previously curated by ICSL or reported in the Human Gene Mutation Database (HGMD: prior to June 1st, 2018), and was therefore a candidate for classification through an automated scoring system. Utilizing variant allele frequency, disease prevalence and penetrance estimates, and inheritance mode, an automated score was calculated to assess if this variant is too frequent to cause the disease. Based on the score and internal cut-off values, a variant classified as benign is not then subjected to further curation. The score for this variant resulted in a classification of benign for this disease.

Illumina Laboratory Services, Illumina
Classification: Benign for Glaucoma 3, primary congenital, D. Last evaluated: 2018-01-13. Review status: criteria provided, single submitter. Criteria: ICSL Variant Classification Criteria 13 December 2019. Collection method: clinical testing. Allele origin: germline.
Comment: the same text as in the submission from Illumina Laboratory Services, Illumina above.

Breakthrough Genomics
Classification: Benign. Review status: criteria provided, single submitter. Criteria: ACMG Guidelines, 2015. Collection method: not provided. Allele origin: germline. Inheritance: Autosomal recessive inheritance. Affected: yes.